The following is an entry in ClinVar:

ClinVar aggregate classification (germline): Benign/Likely benign. Review status: criteria provided, multiple submitters, no conflicts (2 of 4 stars). 7 submissions from 7 submitters: Benign (1); Likely benign (6). Last evaluated 2026-07-01.

Conditions:
Autosomal recessive nonsyndromic hearing loss 103. Also called: Deafness, autosomal recessive 103. Identifiers: Orphanet 90636, MedGen C4015050, MONDO:0014469, OMIM 616042.

Allele frequency attached by ClinVar (database versions not stated): 1000 Genomes Project 0.00220; gnomAD exomes 0.00273 and 0.00368; ESP Exome Variant Server 0.00350; gnomAD 0.00302 and 0.00309; TOPMed 0.00309; 1000 Genomes Project 30x 0.00250; ExAC 0.00295.
gnomAD v4.1: 5,576 of 1,551,702 alleles (0.36%); highest among the groups gnomAD compares: Non-Finnish European, 0.44%; 16 homozygotes.

Submissions (7):

CeGaT Center for Human Genetics Tuebingen
Classification: Likely benign. Last evaluated: 2026-07-01. Review status: criteria provided, single submitter. Criteria: CeGaT Center For Human Genetics Tuebingen Variant Classification Criteria Version 2. Collection method: clinical testing. Allele origin: germline. Affected: yes. Observed: 6 variant alleles.
Comment: CLIC5: BP4, BS2

Labcorp Genetics (formerly Invitae), Labcorp
Classification: Likely benign. Last evaluated: 2026-01-19. Review status: criteria provided, single submitter. Criteria: Invitae Variant Classification Sherloc (09022015). Collection method: clinical testing. Allele origin: germline.

Blueprint Genetics
Classification: Likely benign. Last evaluated: 2024-11-26. Review status: criteria provided, single submitter. Criteria: ACMG Guidelines, 2015. Collection method: clinical testing. Allele origin: germline.

Genomic Research Center, Shahid Beheshti University of Medical Sciences
Classification: Likely benign for Deafness, autosomal recessive 103. Last evaluated: 2018-08-07. Review status: criteria provided, single submitter. Criteria: ACMG Guidelines, 2015. Collection method: clinical testing. Allele origin: inherited. Affected: yes. Observed: 1 variant allele.

GeneDx
Classification: Benign. Last evaluated: 2018-07-20. Review status: criteria provided, single submitter. Criteria: GeneDx Variant Classification Process June 2021. Collection method: clinical testing. Allele origin: germline. Affected: yes.

Laboratory for Molecular Medicine, Mass General Brigham Personalized Medicine
Classification: Likely benign. Last evaluated: 2017-08-23. Review status: criteria provided, single submitter. Criteria: LMM Criteria. Collection method: clinical testing. Allele origin: germline. Observed: 1 variant allele.
Comment: p.Arg79Ser in exon 1 of CLIC5: This variant is not expected to have clinical sig nificance because it has been identified in 0.52% (46/8766) of European chromoso mes by the Exome Aggregation Consortium (ExAC; d bSNP rs41271277).

Breakthrough Genomics
Classification: Likely benign. Review status: criteria provided, single submitter. Criteria: ACMG Guidelines, 2015. Collection method: not provided. Allele origin: germline. Inheritance: Autosomal recessive inheritance. Affected: yes.

NM_001114086.2(CLIC5):c.237A>T (p.Arg79Ser)

Gene: CLIC5 (CLIC family member 5; minus strand). Cytogenetic location: 6p21.1.
Variant type: single nucleotide variant.
Coding change: c.237A>T on transcript NM_001114086.2; coding-DNA position 237, A replaced by T.
Protein change: p.Arg79Ser; replaces arginine 79 with serine.
Molecular consequence: missense variant. On other transcripts: intron variant (1).
Genome position (GRCh38, 1-based): chr6:46,080,006, T>A on the plus strand (A>T on the coding strand, the complement: CLIC5 is on the minus strand). VCF-style: chr6-46080006-T-A. GRCh37 (hg19) VCF-style: chr6-46047743-T-A.
Other names: c.237A>T, p.Arg79Ser (NM_001370650.1); c.-55+49498A>T (NM_001370649.1); short protein forms R79S.
Identifiers: ClinVar variation 508150 (VCV000508150.49), dbSNP rs41271277, ClinGen allele CA3836992.